The following is an entry in ClinVar:

NM_007294.4(BRCA1):c.5430_5431insGA (p.Gln1811fs)

Gene: BRCA1 (BRCA1 DNA repair associated; minus strand). Cytogenetic location: 17q21.31.
Variant type: Insertion.
Coding change: c.5430_5431insGA on transcript NM_007294.4 (MANE Select); coding-DNA positions 5430 to 5431, GA inserted.
Protein change: p.Gln1811fs; shifts the reading frame from glutamine 1811.
Molecular consequence: frameshift variant. On other transcripts: non-coding transcript variant (1).
Genome position: GRCh38 VCF-style: chr17-43047679-G-GTC. GRCh37 (hg19) VCF-style: chr17-41199696-G-GTC.
Other names: c.1590_1591insGA, p.Gln531Aspfs (NM_001408513.1); c.1194_1195insGA, p.Gln399Aspfs (NM_001408514.1); c.5289_5290insGA, p.Gln1764fs (NM_007297.4); c.2118_2119insGA, p.Gln707Aspfs (NM_007298.4, NM_007304.2, NM_001407979.1 and 11 more transcripts); c.2044_2045insGA, p.Ala682fs (NM_007299.4); c.5493_5494insGA, p.Gln1832fs (NM_007300.4); c.5424_5425insGA, p.Gln1809Aspfs (NM_001407635.1, NM_001407636.1, NM_001407637.1 and 13 more transcripts); c.5421_5422insGA, p.Gln1808Aspfs (NM_001407644.1, NM_001407645.1); and 86 more; short protein forms Q1811fs, A682fs, Q1764fs, Q1832fs, Q707fs.
Identifiers: ClinVar variation 548179 (VCV000548179.2), dbSNP rs1555574722, ClinGen allele CA658824710.

ClinVar aggregate classification (germline): Pathogenic (3 of 4 stars; one submission).

Conditions:
Breast-ovarian cancer, familial, susceptibility to, 1 (BROVCA1). Also called: BRCA1 Hereditary Breast and Ovarian Cancer; OVARIAN CANCER, SUSCEPTIBILITY TO. Identifiers: Orphanet 145, MedGen C2676676, MONDO:0011450, OMIM 604370. Disease mechanism: loss of function.

Submission:

Evidence-based Network for the Interpretation of Germline Mutant Alleles (ENIGMA)
Classification: Pathogenic for Breast-ovarian cancer, familial, susceptibility to, 1. Last evaluated: 2017-12-15. Review status: reviewed by expert panel. Criteria: ENIGMA BRCA1/2 Classification Criteria (2017-06-29). Collection method: curation. Allele origin: germline. Study: ENIGMA.
Comment: Variant allele predicted to encode a truncated non-functional protein.